The following is an entry in ClinVar:

NM_000548.5(TSC2):c.3884-5C>A

Gene: TSC2 (TSC complex subunit 2; plus strand). Cytogenetic location: 16p13.3.
Variant type: single nucleotide variant.
Coding change: c.3884-5C>A on transcript NM_000548.5 (MANE Select); 5 bases into the intron before coding-DNA position 3884, C replaced by A.
Molecular consequence: intron variant.
Genome position (GRCh38, 1-based): chr16:2,083,690, C>A. VCF-style: chr16-2083690-C-A. GRCh37 (hg19) VCF-style: chr16-2133691-C-A.
Other names: c.2081-5C>A (NM_001406698.1); c.3812-5C>A (NM_001406664.1); c.3755-5C>A (NM_021055.3, NM_001370405.1); c.3686-5C>A (NM_001363528.2); c.3806-5C>A (NM_001406665.1); c.3752-5C>A (NM_001370404.1); c.3815-5C>A (NM_001114382.3); c.3881-5C>A (NM_001406663.1); and 26 more.
Identifiers: ClinVar variation 2564741 (VCV002564741.2), dbSNP rs980261526, ClinGen allele CA276752675.

ClinVar aggregate classification (germline): Uncertain significance (1 of 4 stars; one submission).

Conditions:
Hereditary cancer-predisposing syndrome. Also called: Neoplastic Syndromes, Hereditary; Hereditary Cancer Syndrome; Hereditary neoplastic syndrome; Tumor predisposition. Identifiers: Orphanet 140162, MedGen C0027672, MeSH D009386, MONDO:0015356.

Submission:

Ambry Genetics
Classification: Uncertain significance for Hereditary cancer-predisposing syndrome. Last evaluated: 2023-06-14. Review status: criteria provided, single submitter. Criteria: Ambry Variant Classification Scheme 2023. Collection method: clinical testing. Allele origin: germline.
Comment: The c.3884-5C>A intronic variant results from a C to A substitution 5 nucleotides upstream from coding exon 32 in the TSC2 gene. This nucleotide position is not well conserved in available vertebrate species. In silico splice site analysis predicts that this alteration will not have any significant effect on splicing. Since supporting evidence is limited at this time, the clinical significance of this alteration remains unclear.